The following is an entry in ClinVar:

ClinVar aggregate classification (germline): Pathogenic/Likely pathogenic. Review status: criteria provided, multiple submitters, no conflicts (2 of 4 stars). 3 submissions from 3 submitters: Pathogenic (2); Likely pathogenic (1). Last evaluated 2025-09-02.
ClinVar aggregate classification (oncogenicity): Likely oncogenic (1 of 4 stars; one submission).

Conditions:
Alpha thalassemia-X-linked intellectual disability syndrome (ATRX). Also called: ALPHA-THALASSEMIA/MENTAL RETARDATION SYNDROME, X-LINKED; ATR, NONDELETION TYPE; ATR-X syndrome; Alpha thalassemia mental retardation syndrome, nondeletion type, X-linked; XLMR hypotonic face syndrome; X-linked alpha-thalassemia-mental retardation syndrome. Identifiers: Orphanet 847, MedGen C1845055, MONDO:0010519, OMIM 301040.
Neoplasm. Also called: tumor; Neoplasms; Neoplasm (disease). Identifiers: MedGen C0027651, MeSH D009369, MONDO:0005070, HP:0002664.

Allele frequency attached by ClinVar (database versions not stated): gnomAD exomes below 0.00001; TOPMed below 0.00001; gnomAD 0.00001.
gnomAD v4.1: 3 of 1,205,668 alleles (0.00025%); highest among the groups gnomAD compares: East Asian, 0.003%; no homozygotes.

Submissions (4):

Center for Genomic Medicine, Rigshospitalet, Copenhagen University Hospital
Classification: Likely oncogenic for Neoplasm. Last evaluated: 2025-12-29. Review status: criteria provided, single submitter. Criteria: ClinGen/CGC/VICC Guidelines for Oncogenicity, 2022. Collection method: clinical testing. Allele origin: somatic. Affected: yes.

Natera, Inc.
Classification: Likely pathogenic for X-linked alpha-thalassemia-mental retardation syndrome. Last evaluated: 2025-09-02. Review status: criteria provided, single submitter. Criteria: Natera Variant Classification Schema (03/2026). Collection method: clinical testing. Allele origin: germline.
Comment: The c.1252C>T variant in ATRX is a nonsense variant predicted to introduce a stop codon at amino acid 418. This variant is expected to result in nonsense mediated decay, truncation, or a dysfunctional protein product. This variant is rare in the general population with a frequency below the threshold expected for the associated phenotype(s). Given the available evidence, this variant is classified as Likely Pathogenic.

CeGaT Center for Human Genetics Tuebingen
Classification: Pathogenic. Last evaluated: 2024-11-01. Review status: criteria provided, single submitter. Criteria: CeGaT Center For Human Genetics Tuebingen Variant Classification Criteria Version 2. Collection method: clinical testing. Allele origin: germline. Affected: yes. Observed: 2 variant alleles.
Comment: ATRX: PVS1, PM2

Labcorp Genetics (formerly Invitae), Labcorp
Classification: Pathogenic for Alpha thalassemia-X-linked intellectual disability syndrome. Last evaluated: 2023-07-10. Review status: criteria provided, single submitter. Criteria: Invitae Variant Classification Sherloc (09022015). Collection method: clinical testing. Allele origin: germline.
Comment: For these reasons, this variant has been classified as Pathogenic. This variant has not been reported in the literature in individuals affected with ATRX-related conditions. This variant is not present in population databases (gnomAD no frequency). This sequence change creates a premature translational stop signal (p.Arg418*) in the ATRX gene. It is expected to result in an absent or disrupted protein product. Loss-of-function variants in ATRX are known to be pathogenic (PMID: 15591283, 18409179, 23681356).

Literature cited by the submitters: PubMed 15591283 (cited by Labcorp Genetics (formerly Invitae), Labcorp); PubMed 18409179 (cited by Labcorp Genetics (formerly Invitae), Labcorp); PubMed 23681356 (cited by Labcorp Genetics (formerly Invitae), Labcorp).

NM_000489.6(ATRX):c.1252C>T (p.Arg418Ter)

Gene: ATRX (ATRX chromatin remodeler; minus strand). Cytogenetic location: Xq21.1.
Variant type: single nucleotide variant.
Coding change: c.1252C>T on transcript NM_000489.6 (MANE Select); coding-DNA position 1252, C replaced by T.
Protein change: p.Arg418Ter; replaces arginine 418 with a stop codon.
Molecular consequence: nonsense.
Genome position (GRCh38, 1-based): chrX:77,684,004, G>A on the plus strand (C>T on the coding strand, the complement: ATRX is on the minus strand). VCF-style: chrX-77684004-G-A. GRCh37 (hg19) VCF-style: chrX-76939496-G-A.
Other names: c.1138C>T, p.Arg380Ter (NM_138270.5); short protein forms R380*, R418*.
Identifiers: ClinVar variation 2723123 (VCV002723123.19), dbSNP rs1057523785, ClinGen allele CA413718894.